The following is an entry in ClinVar:

ClinVar aggregate classification (germline): Uncertain significance. Review status: criteria provided, multiple submitters, no conflicts (2 of 4 stars). 2 submissions from 2 submitters: Uncertain significance (2). Last evaluated 2025-10-02.

Conditions:
Hereditary cancer-predisposing syndrome. Also called: Neoplastic Syndromes, Hereditary; Tumor predisposition; Hereditary neoplastic syndrome; Hereditary Cancer Syndrome. Identifiers: Orphanet 140162, MedGen C0027672, MeSH D009386, MONDO:0015356.

Allele frequency attached by ClinVar (database versions not stated): TOPMed 0.00001.

Submissions (2):

Labcorp Genetics (formerly Invitae), Labcorp
Classification: Uncertain significance. Last evaluated: 2025-10-02. Review status: criteria provided, single submitter. Criteria: Invitae Variant Classification Sherloc (09022015). Collection method: clinical testing. Allele origin: germline.
Comment: This sequence change is expected to alter the c-terminus of the POLE protein (p.Val2234Cysfs*92). While this is not anticipated to result in nonsense mediated decay, it is expected to disrupt the last 53 amino acid(s) of the POLE protein and extend the protein by 38 additional amino acid residues. This variant is not present in population databases (gnomAD no frequency). This variant has not been reported in the literature in individuals affected with POLE-related conditions. ClinVar contains an entry for this variant (Variation ID: 840286). Experimental studies and prediction algorithms are not available or were not evaluated, and the functional significance of this variant is currently unknown. In summary, the available evidence is currently insufficient to determine the role of this variant in disease. Therefore, it has been classified as a Variant of Uncertain Significance.

Ambry Genetics
Classification: Uncertain significance for Hereditary cancer-predisposing syndrome. Last evaluated: 2025-02-26. Review status: criteria provided, single submitter. Criteria: Ambry Variant Classification Scheme 2023. Collection method: clinical testing. Allele origin: germline.
Comment: The c.6699delT variant, located in coding exon 48 of the POLE gene, results from a deletion of one nucleotide at nucleotide position 6699, causing a translational frameshift with a predicted alternate stop codon (p.V2234Cfs*92). This alteration occurs at the 3' terminus of POLE gene, is not expected to trigger nonsense-mediated mRNAdecay and results in the elongation of the protein by 31 amino acids. This frameshift impacts the last 53amino acids of the native protein. The exact functional effect of the altered amino acids is unknown. Based on the available evidence, the clinical significance of this variant remains unclear.

NM_006231.4(POLE):c.6699del (p.Val2234fs)

Gene: POLE (DNA polymerase epsilon, catalytic subunit; minus strand). Cytogenetic location: 12q24.33.
Variant type: Deletion.
Coding change: c.6699del on transcript NM_006231.4 (MANE Select); coding-DNA position 6699, one base deleted (T; older notation c.6699delT).
Protein change: p.Val2234fs; shifts the reading frame from valine 2234.
Molecular consequence: frameshift variant.
Genome position (GRCh38, 1-based): chr12:132,624,953, A deleted on the plus strand (T on the coding strand, the reverse complement: POLE is on the minus strand). VCF-style (leftmost placement, unchanged base first): chr12-132624952-CA-C. GRCh37 (hg19) VCF-style: chr12-133201538-CA-C.
Other names: c.6699delT (NM_006231.2); short protein forms V2234fs.
Identifiers: ClinVar variation 840286 (VCV000840286.8), dbSNP rs1869467642, ClinGen allele CA916082364.